The following is an entry in ClinVar:

ClinVar aggregate classification (germline): Uncertain significance. Review status: criteria provided, multiple submitters, no conflicts (2 of 4 stars). 2 submissions from 2 submitters: Uncertain significance (2). Last evaluated 2026-03-16.

Submissions (2):

Women's Health and Genetics/Laboratory Corporation of America, LabCorp
Classification: Uncertain significance. Last evaluated: 2026-03-16. Review status: criteria provided, single submitter. Criteria: LabCorp Variant Classification Summary - May 2015. Collection method: clinical testing. Allele origin: germline.
Comment: Variant summary: DLX5 c.835C>T (p.His279Tyr) results in a conservative amino acid change in the encoded protein sequence. Algorithms developed to predict the effect of missense changes on protein structure and function are either unavailable or do not agree on the potential impact of this missense change. The variant allele was found at a frequency of 2e-05 in 248896 control chromosomes. The available data on variant occurrences in the general population are insufficient to allow any conclusion about variant significance. To our knowledge, no occurrence of c.835C>T in individuals affected with DLX5-related conditions and no experimental evidence demonstrating its impact on protein function have been reported. ClinVar contains an entry for this variant (Variation ID: 3706436). Based on the evidence outlined above, the variant was classified as uncertain significance.

Labcorp Genetics (formerly Invitae), Labcorp
Classification: Uncertain significance. Last evaluated: 2024-11-23. Review status: criteria provided, single submitter. Criteria: Invitae Variant Classification Sherloc (09022015). Collection method: clinical testing. Allele origin: germline.
Comment: This sequence change replaces histidine, which is basic and polar, with tyrosine, which is neutral and polar, at codon 279 of the DLX5 protein (p.His279Tyr). This variant is present in population databases (rs138650319, gnomAD 0.02%). This variant has not been reported in the literature in individuals affected with DLX5-related conditions. An algorithm developed to predict the effect of missense changes on protein structure and function (PolyPhen-2) suggests that this variant is likely to be disruptive. In summary, the available evidence is currently insufficient to determine the role of this variant in disease. Therefore, it has been classified as a Variant of Uncertain Significance.

NM_005221.6(DLX5):c.835C>T (p.His279Tyr)

Gene: DLX5 (distal-less homeobox 5; minus strand). Cytogenetic location: 7q21.3.
Variant type: single nucleotide variant.
Coding change: c.835C>T on transcript NM_005221.6 (MANE Select); coding-DNA position 835, C replaced by T.
Protein change: p.His279Tyr; replaces histidine 279 with tyrosine.
Molecular consequence: missense variant.
Genome position (GRCh38, 1-based): chr7:97,020,771, G>A on the plus strand (C>T on the coding strand, the complement: DLX5 is on the minus strand). VCF-style: chr7-97020771-G-A. GRCh37 (hg19) VCF-style: chr7-96650083-G-A.
Other names: short protein forms H279Y.
Identifiers: ClinVar variation 3706436 (VCV003706436.3).
Genomic context (GRCh38, chr7:97,020,771, plus strand): 5'-AAGAGAGTAAGAGAGAGCAGCCCATCTAATAGAGTGTCCCGGAGGCCAGCGCCAGCGGGT[G>A]CTGTAAGGAGCCCGGCGGCGGCAGGTGGGAATTGATTGAGCTGGCTGCACTTGTGTACCA-3'
Protein context (NP_005212.1, residues 269-289): SHLPPPGSLQ[His279Tyr]PLALASGTLY